The following is an entry in ClinVar:

ClinVar aggregate classification (germline): Uncertain significance (1 of 4 stars; one submission).

Conditions:
Epilepsy, progressive myoclonic, 1B. Also called: PME. Identifiers: Orphanet 308, MedGen C2676254, MONDO:0012904, OMIM 612437.

Submission:

Labcorp Genetics (formerly Invitae), Labcorp
Classification: Uncertain significance for Epilepsy, progressive myoclonic, 1B. Last evaluated: 2022-02-04. Review status: criteria provided, single submitter. Criteria: Invitae Variant Classification Sherloc (09022015). Collection method: clinical testing. Allele origin: germline.
Comment: In summary, the available evidence is currently insufficient to determine the role of this variant in disease. Therefore, it has been classified as a Variant of Uncertain Significance. Algorithms developed to predict the effect of missense changes on protein structure and function are either unavailable or do not agree on the potential impact of this missense change (SIFT: "Deleterious"; PolyPhen-2: "Benign"; Align-GVGD: "Class C0"). ClinVar contains an entry for this variant (Variation ID: 1000408). This variant has not been reported in the literature in individuals affected with PRICKLE1-related conditions. This variant is not present in population databases (gnomAD no frequency). This sequence change replaces lysine, which is basic and polar, with arginine, which is basic and polar, at codon 623 of the PRICKLE1 protein (p.Lys623Arg).

NM_153026.3(PRICKLE1):c.1868A>G (p.Lys623Arg)

Gene: PRICKLE1 (prickle planar cell polarity protein 1; minus strand). Cytogenetic location: 12q12.
Variant type: single nucleotide variant.
Coding change: c.1868A>G on transcript NM_153026.3 (MANE Select); coding-DNA position 1868, A replaced by G.
Protein change: p.Lys623Arg; replaces lysine 623 with arginine.
Molecular consequence: missense variant.
Genome position (GRCh38, 1-based): chr12:42,460,437, T>C on the plus strand (A>G on the coding strand, the complement: PRICKLE1 is on the minus strand). VCF-style: chr12-42460437-T-C. GRCh37 (hg19) VCF-style: chr12-42854239-T-C.
Other names: c.1868A>G, p.Lys623Arg (NM_001144881.2, NM_001144882.2, NM_001144883.2); short protein forms K623R.
Identifiers: ClinVar variation 1000408 (VCV001000408.10), dbSNP rs1937780289, ClinGen allele CA384440716.